The following is an entry in ClinVar:

NM_000431.4(MVK):c.769-7T>G

Gene: MVK (mevalonate kinase; plus strand). Cytogenetic location: 12q24.11.
Variant type: single nucleotide variant.
Coding change: c.769-7T>G on transcript NM_000431.4 (MANE Select); 7 bases into the intron before coding-DNA position 769, T replaced by G.
Molecular consequence: intron variant.
Genome position (GRCh38, 1-based): chr12:109,591,234, T>G. VCF-style: chr12-109591234-T-G. GRCh37 (hg19) VCF-style: chr12-110029039-T-G.
Other names: p.?; c.613-7T>G (NM_001301182.2); c.769-7T>G (NM_001114185.3).
Identifiers: ClinVar variation 97620 (VCV000097620.71), dbSNP rs104895331, ClinGen allele CA149894.

ClinVar aggregate classification (germline): Benign/Likely benign. Review status: criteria provided, multiple submitters, no conflicts (2 of 4 stars). 18 submissions from 17 submitters: Benign (8); Likely benign (5). 5 of the submissions do not count toward it. Last evaluated 2026-09-01.

Conditions:
Autoinflammatory syndrome. Identifiers: Orphanet 93665, MedGen C3890737, MONDO:0019751.
Hyperimmunoglobulin D with periodic fever (HIDS). Also called: Hyperimmunoglobulinemia D; HYPERIMMUNOGLOBULINEMIA D AND PERIODIC FEVER SYNDROME; Hyperimmunoglobulinemia D with periodic fever. Identifiers: Orphanet 343, MedGen C0398691, MONDO:0009849, OMIM 260920.
Porokeratosis 3, disseminated superficial actinic type (POROK3). Also called: POROKERATOSIS, DISSEMINATED SUPERFICIAL ACTINIC, 1; POROKERATOSIS 3, MULTIPLE TYPES; POROKERATOSIS 3, MIBELLI TYPE. Identifiers: MedGen C1867981, MONDO:0008293, OMIM 175900.
Mevalonic aciduria (MEVA). Identifiers: Orphanet 29, MedGen C1959626, MONDO:0012481, OMIM 610377.
Nemaline myopathy 5 (NEM5A). Also called: NEMALINE MYOPATHY, AMISH TYPE; Nemaline myopathy 5, Amish type; NEMALINE MYOPATHY 5A, AUTOSOMAL RECESSIVE, SEVERE INFANTILE. Identifiers: Orphanet 98902, MedGen C1854380, MONDO:0011539, OMIM 605355.

Allele frequency attached by ClinVar (database versions not stated): ESP Exome Variant Server 0.00346; gnomAD 0.00354 and 0.00411; TOPMed 0.00418; ExAC 0.00651; 1000 Genomes Project 30x 0.00656; 1000 Genomes Project 0.00679.
gnomAD v4.1: 7,564 of 1,613,976 alleles (0.47%); highest among the groups gnomAD compares: South Asian, 2.2%; 72 homozygotes.

Submissions (24):

CeGaT Center for Human Genetics Tuebingen
Classification: Benign. Last evaluated: 2026-09-01. Review status: criteria provided, single submitter. Criteria: CeGaT Center For Human Genetics Tuebingen Variant Classification Criteria Version 2. Collection method: clinical testing. Allele origin: germline. Affected: yes. Observed: 37 variant alleles.
Comment: MVK: BP4, BS1, BS2

Labcorp Genetics (formerly Invitae), Labcorp
Classification: Benign for Mevalonic aciduria; Hyperimmunoglobulin D with periodic fever; Porokeratosis 3, disseminated superficial actinic type. Last evaluated: 2026-02-04. Review status: criteria provided, single submitter. Criteria: Invitae Variant Classification Sherloc (09022015). Collection method: clinical testing. Allele origin: germline.

Women's Health and Genetics/Laboratory Corporation of America, LabCorp
Classification: Benign. Last evaluated: 2026-01-23. Review status: criteria provided, single submitter. Criteria: LabCorp Variant Classification Summary - May 2015. Collection method: clinical testing. Allele origin: germline.

ARUP Laboratories, Molecular Genetics and Genomics, ARUP Laboratories
Classification: Benign. Last evaluated: 2025-06-26. Review status: criteria provided, single submitter. Criteria: ARUP Molecular Germline Variant Investigation Process 2024. Collection method: clinical testing. Allele origin: germline.

Blueprint Genetics
Classification: Likely benign. Last evaluated: 2024-11-27. Review status: criteria provided, single submitter. Criteria: ACMG Guidelines, 2015. Collection method: clinical testing. Allele origin: germline.

Mayo Clinic Laboratories, Mayo Clinic
Classification: Benign. Last evaluated: 2024-11-06. Review status: criteria provided, single submitter. Criteria: ACMG Guidelines, 2015. Collection method: clinical testing. Allele origin: germline. Observed: 25 variant alleles.
Comment: BS1, BS2, BP4, BP7

Genome Diagnostics Laboratory, The Hospital for Sick Children
Classification: Benign for Autoinflammatory syndrome. Last evaluated: 2022-04-08. Review status: criteria provided, single submitter. Criteria: ACMG Guidelines, 2015. Collection method: clinical testing. Allele origin: germline. Affected: yes.

GeneDx
Classification: Benign. Last evaluated: 2019-01-17. Review status: criteria provided, single submitter. Criteria: GeneDx Variant Classification Process June 2021. Collection method: clinical testing. Allele origin: germline. Affected: yes.
Comment: This variant is associated with the following publications: (PMID: 27535533, 22246419, 25525159, 27884173, 24411001, 23006543, 28137891)

Illumina Laboratory Services, Illumina
Classification: Likely benign for Hyperimmunoglobulin D with periodic fever. Last evaluated: 2017-04-27. Review status: criteria provided, single submitter. Criteria: ICSL Variant Classification Criteria 13 December 2019. Collection method: clinical testing. Allele origin: germline.
Comment: This variant was observed as part of a predisposition screen in an ostensibly healthy population. A literature search was performed for the gene, cDNA change, and amino acid change (where applicable). No publications were found based on this search. Allele frequency data from public databases allowed determination this variant is unlikely to cause disease. Therefore, this variant is classified as likely benign.

Illumina Laboratory Services, Illumina
Classification: Likely benign for Mevalonic aciduria. Last evaluated: 2017-04-27. Review status: criteria provided, single submitter. Criteria: ICSL Variant Classification Criteria 13 December 2019. Collection method: clinical testing. Allele origin: germline.
Comment: This variant was observed as part of a predisposition screen in an ostensibly healthy population. A literature search was performed for the gene, cDNA change, and amino acid change (where applicable). Publications were found based on this search. The evidence from the literature, in combination with allele frequency data from public databases where available, was sufficient to determine this variant is unlikely to cause disease. Therefore, this variant is classified as likely benign.

Center for Pediatric Genomic Medicine, Children's Mercy Hospital and Clinics
Classification: Likely benign. Last evaluated: 2016-02-17. Review status: criteria provided, single submitter. Criteria: ACMG Guidelines, 2015. Collection method: clinical testing. Allele origin: germline.
ClinVar note: Converted during submission from Likely Benign to Likely benign.

Breakthrough Genomics
Classification: Likely benign. Review status: criteria provided, single submitter. Criteria: ACMG Guidelines, 2015. Collection method: not provided. Allele origin: germline. Inheritance: Autosomal recessive inheritance. Affected: yes.

Broad Center for Mendelian Genomics, Broad Institute of MIT and Harvard
Classification: Benign for Nemaline myopathy 5. Review status: criteria provided, single submitter. Criteria: ACMG Guidelines, 2015. Collection method: research. Allele origin: germline. Inheritance: Autosomal recessive inheritance. Affected: yes.
Comment: The heterozygous c.769-7T>G variant in MVK has been identified in at least 2 individuals including 1 individual with unknown phenotype and other variants in cis, and 1 individual with mevalonate kinase deficiency (Touitou & Domingo-Rittore, personal communication to Infevers database, 2004; PMID: 22246419), and has been identified in >2% of South Asian chromosomes and 8 homozygotes by ExAC. In summary, this variant meets criteria to be classified as benign for autosomal recessive mevalonic kinase deficiency.

Clinical Genetics DNA and cytogenetics Diagnostics Lab, Erasmus MC, Erasmus Medical Center
Classification: Benign. Review status: no assertion criteria provided. Collection method: clinical testing. Allele origin: germline. Affected: yes. Study: VKGL Data-share Consensus. Not counted in ClinVar's aggregate classification.

Clinical Genetics, Academic Medical Center
Classification: Benign. Review status: no assertion criteria provided. Collection method: clinical testing. Allele origin: germline. Affected: yes. Study: VKGL Data-share Consensus. Not counted in ClinVar's aggregate classification.

Dr. Peter K. Rogan Lab, Western University
No classification provided (evidence only). Condition: Acute myeloid leukemia. Review status: no classification provided. Collection method: in vitro. Allele origin: not applicable. Functional consequence: retained intron. Not counted in ClinVar's aggregate classification.

Dr. Peter K. Rogan Lab, Western University
No classification provided (evidence only). Condition: Cervical cancer. Review status: no classification provided. Collection method: in vitro. Allele origin: not applicable. Functional consequence: retained intron. Not counted in ClinVar's aggregate classification.

Dr. Peter K. Rogan Lab, Western University
No classification provided (evidence only). Condition: Ovarian serous cystadenocarcinoma. Review status: no classification provided. Collection method: in vitro. Allele origin: not applicable. Functional consequence: retained intron. Not counted in ClinVar's aggregate classification.

Dr. Peter K. Rogan Lab, Western University
No classification provided (evidence only). Condition: Ovarian serous cystadenocarcinoma. Review status: no classification provided. Collection method: in vitro. Allele origin: not applicable. Functional consequence: retained intron. Not counted in ClinVar's aggregate classification.

Dr. Peter K. Rogan Lab, Western University
No classification provided (evidence only). Condition: Gastric cancer. Review status: no classification provided. Collection method: in vitro. Allele origin: not applicable. Functional consequence: retained intron. Not counted in ClinVar's aggregate classification.

Dr. Peter K. Rogan Lab, Western University
No classification provided (evidence only). Condition: Lymphoma. Review status: no classification provided. Collection method: in vitro. Allele origin: not applicable. Functional consequence: retained intron. Not counted in ClinVar's aggregate classification.

Genome Diagnostics Laboratory, University Medical Center Utrecht
Classification: Benign. Review status: no assertion criteria provided. Collection method: clinical testing. Allele origin: germline. Affected: yes. Study: VKGL Data-share Consensus. Not counted in ClinVar's aggregate classification.

Joint Genome Diagnostic Labs from Nijmegen and Maastricht, Radboudumc and MUMC+
Classification: Benign. Review status: no assertion criteria provided. Collection method: clinical testing. Allele origin: germline. Affected: yes. Study: VKGL Data-share Consensus. Not counted in ClinVar's aggregate classification.

Unité médicale des maladies autoinflammatoires, CHRU Montpellier
No classification provided. Condition: Hyperimmunoglobulin D with periodic fever. Review status: no classification provided. Collection method: not provided. Allele origin: unknown. Not counted in ClinVar's aggregate classification.
Comment: also involved in OMIM 25117

Literature cited by the submitters: PubMed 22246419 (cited by Mayo Clinic Laboratories, Mayo Clinic and Broad Center for Mendelian Genomics, Broad Institute of MIT and Harvard); PubMed 27535533 (cited by Mayo Clinic Laboratories, Mayo Clinic); PubMed 27884173 (cited by Mayo Clinic Laboratories, Mayo Clinic); PubMed 24411001 (cited by Illumina Laboratory Services, Illumina); PubMed 23006543 (cited by Illumina Laboratory Services, Illumina); PubMed 16835861 (cited by Illumina Laboratory Services, Illumina).